The following is an entry in ClinVar:

NM_015102.5(NPHP4):c.2206C>T (p.Arg736Cys)

Gene: NPHP4 (nephrocystin 4; minus strand). Cytogenetic location: 1p36.31.
Variant type: single nucleotide variant.
Coding change: c.2206C>T on transcript NM_015102.5 (MANE Select); coding-DNA position 2206, C replaced by T.
Protein change: p.Arg736Cys; replaces arginine 736 with cysteine.
Molecular consequence: missense variant. On other transcripts: non-coding transcript variant (1).
Genome position (GRCh38, 1-based): chr1:5,890,966, G>A on the plus strand (C>T on the coding strand, the complement: NPHP4 is on the minus strand). VCF-style: chr1-5890966-G-A. GRCh37 (hg19) VCF-style: chr1-5951026-G-A.
Other names: c.2206C>T (NM_015102.3); c.667C>T, p.Arg223Cys (NM_001291593.2); c.670C>T, p.Arg224Cys (NM_001291594.2); short protein forms R223C, R224C, R736C.
Identifiers: ClinVar variation 1465073 (VCV001465073.9), dbSNP rs372959036, ClinGen allele CA554243.

ClinVar aggregate classification (germline): Uncertain significance. Review status: criteria provided, multiple submitters, no conflicts (2 of 4 stars). 4 submissions from 4 submitters: Uncertain significance (4). Last evaluated 2026-05-11.

Conditions:
Kidney disorder. Also called: Kidney disease; Kidney Diseases; renal disease; renal disorder; Nephropathy. Identifiers: MedGen C0022658, MONDO:0005240, HP:0000112.
Nephronophthisis. Also called: Juvenile Nephronophthisis. Identifiers: Orphanet 655, MedGen C0687120, MONDO:0019005, HP:0000090.
NPHP4-related disorder. Also called: NPHP4-related disorders; NPHP4-related condition. Identifiers: MedGen CN239384.
Inborn genetic diseases. Identifiers: MedGen C0950123, MeSH D030342.

Allele frequency attached by ClinVar (database versions not stated): gnomAD exomes 0.00006; gnomAD 0.00007; ExAC 0.00008; TOPMed 0.00008; ESP Exome Variant Server 0.00016.
gnomAD v4.1: 95 of 1,594,356 alleles (0.006%); highest among the groups gnomAD compares: African/African-American, 0.015%; no homozygotes.

Submissions (4):

PreventionGenetics, part of Exact Sciences
Classification: Uncertain significance for NPHP4-related condition. Last evaluated: 2026-05-11. Review status: criteria provided, single submitter. Criteria: ACMG Guidelines, 2015. Collection method: clinical testing. Allele origin: germline.
Comment: The NPHP4 c.2206C>T variant is predicted to result in the amino acid substitution p.Arg736Cys. To our knowledge, this variant has not been reported in the literature. This variant is reported in 0.017% of alleles in individuals of African descent in gnomAD. At this time, the clinical significance of this variant is uncertain due to the absence of conclusive functional and genetic evidence.

Labcorp Genetics (formerly Invitae), Labcorp
Classification: Uncertain significance for Nephronophthisis. Last evaluated: 2022-04-07. Review status: criteria provided, single submitter. Criteria: Invitae Variant Classification Sherloc (09022015). Collection method: clinical testing. Allele origin: germline.
Comment: This sequence change replaces arginine, which is basic and polar, with cysteine, which is neutral and slightly polar, at codon 736 of the NPHP4 protein (p.Arg736Cys). This variant is present in population databases (rs372959036, gnomAD 0.02%). This variant has not been reported in the literature in individuals affected with NPHP4-related conditions. Algorithms developed to predict the effect of missense changes on protein structure and function are either unavailable or do not agree on the potential impact of this missense change (SIFT: "Deleterious"; PolyPhen-2: "Benign"; Align-GVGD: "Class C0"). In summary, the available evidence is currently insufficient to determine the role of this variant in disease. Therefore, it has been classified as a Variant of Uncertain Significance.

Ambry Genetics
Classification: Uncertain significance for Inborn genetic diseases. Last evaluated: 2022-02-10. Review status: criteria provided, single submitter. Criteria: Ambry Variant Classification Scheme 2023. Collection method: clinical testing. Allele origin: germline.

Genome Diagnostics Laboratory, The Hospital for Sick Children
Classification: Uncertain significance for Kidney disorder. Last evaluated: 2016-12-12. Review status: criteria provided, single submitter. Criteria: ACMG Guidelines, 2015. Collection method: clinical testing. Allele origin: germline.